The following is an entry in ClinVar:

ClinVar aggregate classification (germline): Benign/Likely benign. Review status: criteria provided, multiple submitters, no conflicts (2 of 4 stars). 3 submissions from 3 submitters: Benign (1); Likely benign (2). Last evaluated 2025-11-18.

Conditions:
Juvenile polyposis/hereditary hemorrhagic telangiectasia syndrome (JPHT). Also called: JP/HHT SYNDROME; JUVENILE POLYPOSIS WITH HEREDITARY HEMORRHAGIC TELANGIECTASIA; POLYPOSIS, GENERALIZED JUVENILE, WITH PULMONARY ARTERIOVENOUS MALFORMATION; TELANGIECTASIA, HEREDITARY HEMORRHAGIC, WITH JUVENILE POLYPOSIS COLI; Juvenile Polyposis Syndrome / Hereditary Hemorrhagic Telangiectasia (JPS/HHT). Identifiers: Orphanet 2929, MedGen C1832942, MONDO:0008278, OMIM 175050.
Juvenile polyposis syndrome (JPS). Identifiers: Orphanet 2929, MedGen C0345893, MONDO:0017380, OMIM 174900.
Hereditary cancer-predisposing syndrome. Also called: Neoplastic Syndromes, Hereditary; Tumor predisposition; Hereditary neoplastic syndrome; Hereditary Cancer Syndrome. Identifiers: Orphanet 140162, MedGen C0027672, MeSH D009386, MONDO:0015356.
Familial thoracic aortic aneurysm and aortic dissection (TAAD). Also called: Thoracic aortic aneurysms and dissections. Identifiers: Orphanet 91387, MedGen C4707243, MONDO:0019625.

Submissions (3):

Labcorp Genetics (formerly Invitae), Labcorp
Classification: Likely benign for Juvenile polyposis syndrome. Last evaluated: 2025-11-18. Review status: criteria provided, single submitter. Criteria: Invitae Variant Classification Sherloc (09022015). Collection method: clinical testing. Allele origin: germline.

Ambry Genetics
Classification: Likely benign for Hereditary cancer-predisposing syndrome; Familial thoracic aortic aneurysm and aortic dissection. Last evaluated: 2025-10-29. Review status: criteria provided, single submitter. Criteria: Ambry Variant Classification Scheme 2023. Collection method: clinical testing. Allele origin: germline.

Myriad Genetics, Inc.
Classification: Benign for Juvenile polyposis/hereditary hemorrhagic telangiectasia syndrome. Last evaluated: 2025-03-18. Review status: criteria provided, single submitter. Criteria: Myriad Autosomal Dominant, Autosomal Recessive and X-Linked Classification Criteria (2023). Collection method: clinical testing. Allele origin: unknown.
Comment: This variant is considered benign. This variant is a silent/synonymous amino acid change and it is not expected to impact splicing.

NM_005359.6(SMAD4):c.162G>A (p.Leu54=)

Gene: SMAD4 (SMAD family member 4; plus strand). Cytogenetic location: 18q21.2.
Variant type: single nucleotide variant.
Coding change: c.162G>A on transcript NM_005359.6 (MANE Select); coding-DNA position 162, G replaced by A.
Protein change: p.Leu54=; no amino-acid change (leucine 54 retained).
Molecular consequence: synonymous variant. On other transcripts: non-coding transcript variant (2).
Genome position (GRCh38, 1-based): chr18:51,047,208, G>A. VCF-style: chr18-51047208-G-A. GRCh37 (hg19) VCF-style: chr18-48573578-G-A.
Other names: c.162G>A, p.Leu54= (NM_001407041.1, NM_001407042.1, NM_001407043.1).
Identifiers: ClinVar variation 2875960 (VCV002875960.5), dbSNP rs2144401363, ClinGen allele CA503873462.
Genomic context (GRCh38, chr18:51,047,208, plus strand): 5'-ATTTGCAAAAAGAGCAATTGAAAGTTTGGTAAAGAAGCTGAAGGAGAAAAAAGATGAATT[G>A]GATTCTTTAATAACAGCTATAACTACAAATGGAGCTCATCCTAGTAAATGTGTTACCATA-3'
Protein context (NP_005350.1, residues 44-64): VKKLKEKKDE[Leu54=]DSLITAITTN